The following is an entry in ClinVar:

NM_000091.5(COL4A3):c.686G>T (p.Arg229Leu)

Genes: COL4A3 (collagen type IV alpha 3 chain; plus strand), MFF-DT (MFF divergent transcript; minus strand). Cytogenetic location: 2q36.3.
Variant type: single nucleotide variant.
Coding change: c.686G>T on transcript NM_000091.5 (MANE Select); coding-DNA position 686, G replaced by T.
Protein change: p.Arg229Leu; replaces arginine 229 with leucine.
Molecular consequence: missense variant.
Genome position (GRCh38, 1-based): chr2:227,253,336, G>T. VCF-style: chr2-227253336-G-T. GRCh37 (hg19) VCF-style: chr2-228118052-G-T.
Other names: short protein forms R229L.
Identifiers: ClinVar variation 546314 (VCV000546314.11), dbSNP rs188942711, ClinGen allele CA2146265.

ClinVar aggregate classification (germline): Uncertain significance. Review status: criteria provided, multiple submitters, no conflicts (2 of 4 stars). 6 submissions from 6 submitters: Uncertain significance (5). 1 of the submissions does not count toward it. Last evaluated 2026-02-06.

Conditions:
COL4A3-related disorder. Also called: COL4A3-Related Disorders; COL4A3-related condition.
Autosomal dominant Alport syndrome (ATS3A). Also called: ALPORT SYNDROME 3A, AUTOSOMAL DOMINANT; Alport syndrome dominant type; Renal failure and sensorineural hearing loss. Identifiers: Orphanet 63, Orphanet 88918, MedGen C5882663, MONDO:0007086, OMIM 104200.
Autosomal recessive Alport syndrome (ATS2). Also called: COL4A3-Related Nephropathy; Alport syndrome type 2; ALPORT SYNDROME 2, AUTOSOMAL RECESSIVE; COL4A4 Alport Syndrome and Thin Basement Membrane Nephropathy. Identifiers: Orphanet 63, Orphanet 88919, MedGen C4746745, MONDO:0008762, OMIM 203780.
Benign familial hematuria. Also called: thin basement membrane disease. Identifiers: MedGen C0241908, MONDO:0957317.
Alport syndrome. Also called: Hemorrhagic familial nephritis; Hemorrhagic hereditary nephritis; Congenital hereditary hematuria. Identifiers: Orphanet 63, MedGen C1567741, MONDO:0018965.

Allele frequency attached by ClinVar (database versions not stated): TOPMed 0.00001.
gnomAD v4.1: 126 of 1,613,456 alleles (0.0078%); highest among the groups gnomAD compares: Non-Finnish European, 0.011%; no homozygotes.

Submissions (6):

PreventionGenetics, part of Exact Sciences
Classification: Uncertain significance for COL4A3-related condition. Last evaluated: 2026-02-06. Review status: criteria provided, single submitter. Criteria: ACMG Guidelines, 2015. Collection method: clinical testing. Allele origin: germline.
Comment: The COL4A3 c.686G>T variant is predicted to result in the amino acid substitution p.Arg229Leu. To our knowledge, this variant has not been reported in the literature. This variant is reported in 0.00088% of alleles in individuals of European (Non-Finnish) descent in gnomAD. At this time, the clinical significance of this variant is uncertain due to the absence of conclusive functional and genetic evidence.

Fulgent Genetics
Classification: Uncertain significance for Autosomal dominant Alport syndrome; Hematuria, benign familial, 1; Autosomal recessive Alport syndrome. Last evaluated: 2022-05-07. Review status: criteria provided, single submitter. Criteria: ACMG Guidelines, 2015. Collection method: clinical testing. Allele origin: unknown.

Labcorp Genetics (formerly Invitae), Labcorp
Classification: Uncertain significance. Last evaluated: 2022-03-09. Review status: criteria provided, single submitter. Criteria: Invitae Variant Classification Sherloc (09022015). Collection method: clinical testing. Allele origin: germline.
Comment: This sequence change replaces arginine, which is basic and polar, with leucine, which is neutral and non-polar, at codon 229 of the COL4A3 protein (p.Arg229Leu). This variant is present in population databases (rs188942711, gnomAD 0.0009%). This missense change has been observed in individual(s) with Alport syndrome (Invitae). ClinVar contains an entry for this variant (Variation ID: 546314). Algorithms developed to predict the effect of missense changes on protein structure and function (SIFT, PolyPhen-2, Align-GVGD) all suggest that this variant is likely to be tolerated. In summary, the available evidence is currently insufficient to determine the role of this variant in disease. Therefore, it has been classified as a Variant of Uncertain Significance.

GeneDx
Classification: Uncertain significance. Last evaluated: 2018-05-09. Review status: criteria provided, single submitter. Criteria: GeneDx Variant Classification (06012015). Collection method: clinical testing. Allele origin: germline. Affected: yes.
Comment: The c.686 G>T variant in the COL4A3 gene has not been reported previously as a pathogenic variant nor as a benign variant, to our knowledge. The c.686 G>T variant is not observed at a significant frequency in large population cohorts (Lek et al., 2016). In-silico splice models predict that c.686 G>T may damage the natural splice donor site in intron 12, which may cause abnormal gene splicing. However, in the absence of RNA/functional studies, the actual effect of the c.686 G>T change in this individual is unknown. If c.686 G>T does not alter splicing, it will result in the R229L missense change. The R229L variant is a non-conservative amino acid substitution, which is likely to impact secondary protein structure as these residues differ in polarity, charge, size and/or other properties. In-silico analyses, including protein predictors and evolutionary conservation, support a deleterious effect. Missense variants in nearby residues (G223E, G230D) have been reported in the Human Gene Mutation Database in association with Alport syndrome (Stenson et al., 2014), supporting the functional importance of this region of the protein. We interpret c.686 G>T as a variant of uncertain significance.

Illumina Laboratory Services, Illumina
Classification: Uncertain significance for Alport syndrome. Last evaluated: 2018-01-12. Review status: criteria provided, single submitter. Criteria: ICSL Variant Classification Criteria 13 December 2019. Collection method: clinical testing. Allele origin: germline.

Natera, Inc.
Classification: Uncertain significance for Alport syndrome. Last evaluated: 2020-01-24. Review status: no assertion criteria provided. Collection method: clinical testing. Allele origin: germline. Not counted in ClinVar's aggregate classification.